The following is an entry in ClinVar:

NM_005228.5(EGFR):c.1749C>T (p.Ala583=)

Gene: EGFR (epidermal growth factor receptor; plus strand). Cytogenetic location: 7p11.2.
Variant type: single nucleotide variant.
Coding change: c.1749C>T on transcript NM_005228.5 (MANE Select); coding-DNA position 1749, C replaced by T.
Protein change: p.Ala583=; no amino-acid change (alanine 583 retained).
Molecular consequence: synonymous variant.
Genome position (GRCh38, 1-based): chr7:55,165,306, C>T. VCF-style: chr7-55165306-C-T. GRCh37 (hg19) VCF-style: chr7-55232999-C-T.
Other names: c.1614C>T, p.Ala538= (NM_001346897.2, NM_001346899.2); c.1749C>T, p.Ala583= (NM_001346898.2, NM_201282.2, NM_201284.2); c.1590C>T, p.Ala530= (NM_001346900.2); c.948C>T, p.Ala316= (NM_001346941.2); c.1749C>T (NM_005228.4).
Identifiers: ClinVar variation 1168668 (VCV001168668.14), dbSNP rs141232284, ClinGen allele CA4265685.

ClinVar aggregate classification (germline): Benign/Likely benign. Review status: criteria provided, multiple submitters, no conflicts (2 of 4 stars). 5 submissions from 5 submitters: Benign (1); Likely benign (3). 1 of the submissions does not count toward it. Last evaluated 2026-01-26.

Conditions:
EGFR-related disorder. Also called: EGFR-related condition.
Hereditary cancer-predisposing syndrome. Also called: Tumor predisposition; Hereditary neoplastic syndrome; Hereditary Cancer Syndrome; Neoplastic Syndromes, Hereditary. Identifiers: Orphanet 140162, MedGen C0027672, MeSH D009386, MONDO:0015356.
EGFR-related lung cancer (EGFR). Identifiers: MedGen CN130014.

Allele frequency attached by ClinVar (database versions not stated): gnomAD exomes 0.00003 and 0.00009; ExAC 0.00013; gnomAD 0.00028 and 0.00029; TOPMed 0.00030; ESP Exome Variant Server 0.00038; 1000 Genomes Project 30x 0.00062; 1000 Genomes Project 0.00080.
gnomAD v4.1: 95 of 1,614,152 alleles (0.0059%); highest among the groups gnomAD compares: African/African-American, 0.11%; no homozygotes.

Submissions (5):

Labcorp Genetics (formerly Invitae), Labcorp
Classification: Benign for EGFR-related lung cancer. Last evaluated: 2026-01-26. Review status: criteria provided, single submitter. Criteria: Invitae Variant Classification Sherloc (09022015). Collection method: clinical testing. Allele origin: germline.

Ambry Genetics
Classification: Likely benign for Hereditary cancer-predisposing syndrome. Last evaluated: 2024-08-21. Review status: criteria provided, single submitter. Criteria: Ambry Variant Classification Scheme 2023. Collection method: clinical testing. Allele origin: germline.

Blueprint Genetics
Classification: Likely benign. Last evaluated: 2024-06-27. Review status: criteria provided, single submitter. Criteria: ACMG Guidelines, 2015. Collection method: clinical testing. Allele origin: germline.

Sema4
Classification: Likely benign for Hereditary cancer-predisposing syndrome. Last evaluated: 2021-06-14. Review status: criteria provided, single submitter. Criteria: Sema4 Curation Guidelines. Collection method: curation. Allele origin: germline.

PreventionGenetics, part of Exact Sciences
Classification: Likely benign for EGFR-related condition. Last evaluated: 2024-02-28. Review status: no assertion criteria provided. Collection method: clinical testing. Allele origin: germline. Not counted in ClinVar's aggregate classification.
Comment: This variant is classified as likely benign based on ACMG/AMP sequence variant interpretation guidelines (Richards et al. 2015 PMID: 25741868, with internal and published modifications).